The following is an entry in ClinVar:

NM_003597.5(KLF11):c.1123T>C (p.Phe375Leu)

Gene: KLF11 (KLF transcription factor 11; plus strand). Cytogenetic location: 2p25.1.
Variant type: single nucleotide variant.
Coding change: c.1123T>C on transcript NM_003597.5 (MANE Select); coding-DNA position 1123, T replaced by C.
Protein change: p.Phe375Leu; replaces phenylalanine 375 with leucine.
Molecular consequence: missense variant.
Genome position (GRCh38, 1-based): chr2:10,048,460, T>C. VCF-style: chr2-10048460-T-C. GRCh37 (hg19) VCF-style: chr2-10188587-T-C.
Other names: c.1072T>C, p.Phe358Leu (NM_001177716.2, NM_001177718.2); short protein forms F375L, F358L.
Identifiers: ClinVar variation 4989636 (VCV004989636.1).

ClinVar aggregate classification (germline): Uncertain significance (1 of 4 stars; one submission).

Conditions:
KLF11-related disorder. Also called: KLF11-related condition.

Submission:

PreventionGenetics, part of Exact Sciences
Classification: Uncertain significance for KLF11-related condition. Last evaluated: 2025-12-08. Review status: criteria provided, single submitter. Criteria: ACMG Guidelines, 2015. Collection method: clinical testing. Allele origin: germline.
Comment: The KLF11 c.1123T>C variant is predicted to result in the amino acid substitution p.Phe375Leu. To our knowledge, this variant has not been reported in the literature. This variant is reported in 0.016% of alleles in individuals of East Asian descent in gnomAD. At this time, the clinical significance of this variant is uncertain due to the absence of conclusive functional and genetic evidence.